The following is an entry in ClinVar:

ClinVar aggregate classification (germline): Likely pathogenic. Review status: criteria provided, multiple submitters, no conflicts (2 of 4 stars). 2 submissions from 2 submitters: Likely pathogenic (2). Last evaluated 2024-11-07.

Conditions:
Leber congenital amaurosis (LCA). Also called: Leber's amaurosis. Identifiers: Orphanet 65, MedGen C0339527, MeSH D057130, MONDO:0018998.
CRB1-related disorder. Also called: CRB1-related condition; CRB1-related disorders.

Allele frequency attached by ClinVar (database versions not stated): TOPMed below 0.00001; gnomAD 0.00001.
gnomAD v4.1: 1 of 1,613,836 alleles (0.000062%); highest among the groups gnomAD compares: Non-Finnish European, 0.000085%; no homozygotes.

Submissions (2):

Natera, Inc.
Classification: Likely pathogenic for Leber congenital amaurosis. Last evaluated: 2024-11-07. Review status: criteria provided, single submitter. Criteria: Natera Variant Classification Schema (03/2026). Collection method: clinical testing. Allele origin: germline.
Comment: The c.3101G>A variant in CRB1 is a nonsense variant predicted to introduce a stop codon at amino acid 1034. This variant is expected to result in nonsense mediated decay, truncation, or a dysfunctional protein product. This variant is rare in the general population with a frequency below the threshold expected for the associated phenotype(s). Given the available evidence, this variant is classified as Likely Pathogenic.

Blueprint Genetics
Classification: Likely pathogenic for CRB1-related disorders. Last evaluated: 2019-07-25. Review status: criteria provided, single submitter. Criteria: ACMG Guidelines, 2015. Collection method: clinical testing. Allele origin: germline. Affected: yes. Observed: 1 variant allele.

NM_201253.3(CRB1):c.3101G>A (p.Trp1034Ter)

Gene: CRB1 (crumbs cell polarity complex component 1; plus strand). Cytogenetic location: 1q31.3.
Variant type: single nucleotide variant.
Coding change: c.3101G>A on transcript NM_201253.3 (MANE Select); coding-DNA position 3101, G replaced by A.
Protein change: p.Trp1034Ter; replaces tryptophan 1034 with a stop codon.
Molecular consequence: nonsense. On other transcripts: non-coding transcript variant (2), intron variant (1).
Genome position (GRCh38, 1-based): chr1:197,434,964, G>A. VCF-style: chr1-197434964-G-A. GRCh37 (hg19) VCF-style: chr1-197404094-G-A.
Other names: c.2765G>A, p.Trp922Ter (NM_001193640.2); c.3029G>A, p.Trp1010Ter (NM_001257965.2); c.2129-636G>A (NM_001257966.2); short protein forms W1010*, W922*, W1034*.
Identifiers: ClinVar variation 867209 (VCV000867209.3), dbSNP rs1426006136, ClinGen allele CA344045514.